The following is an entry in ClinVar:

NM_014874.4(MFN2):c.969A>G (p.Gly323=)

Gene: MFN2 (mitofusin 2; plus strand). Cytogenetic location: 1p36.22.
Variant type: single nucleotide variant.
Coding change: c.969A>G on transcript NM_014874.4 (MANE Select); coding-DNA position 969, A replaced by G.
Protein change: p.Gly323=; no amino-acid change (glycine 323 retained).
Molecular consequence: synonymous variant.
Genome position (GRCh38, 1-based): chr1:12,001,553, A>G. VCF-style: chr1-12001553-A-G. GRCh37 (hg19) VCF-style: chr1-12061610-A-G.
Other names: c.969A>G, p.Gly323= (NM_001127660.2).
Identifiers: ClinVar variation 943856 (VCV000943856.9), dbSNP rs1639174381, ClinGen allele CA416109017.
Genomic context (GRCh38, chr1:12,001,553, plus strand): 5'-TGTGTCTGCTAAGGAGGTGCTCAACGCCAGGATTCAGAAAGCCCAGGGCATGCCTGAAGG[A>G]GGTAATGATGAGAACAGATGTCCTCCTTTTCTCTGATGTTTGAGACATTTTGTCTCGTGC-3'
Protein context (NP_055689.1, residues 313-333): RIQKAQGMPE[Gly323=]GGALAEGFQV

ClinVar aggregate classification (germline): Uncertain significance (1 of 4 stars; one submission).

Conditions:
Charcot-Marie-Tooth disease type 2. Also called: Charcot-Marie-Tooth type 2. Identifiers: Orphanet 64746, MedGen C0270914, MONDO:0018993.

Allele frequency attached by ClinVar (database versions not stated): gnomAD exomes below 0.00001.
gnomAD v4.1: 1 of 1,614,162 alleles (0.000062%); highest among the groups gnomAD compares: Middle Eastern, 0.017%; no homozygotes.

Submission:

Labcorp Genetics (formerly Invitae), Labcorp
Classification: Uncertain significance for Charcot-Marie-Tooth disease type 2. Last evaluated: 2022-12-05. Review status: criteria provided, single submitter. Criteria: Invitae Variant Classification Sherloc (09022015). Collection method: clinical testing. Allele origin: germline.
Comment: In summary, the available evidence is currently insufficient to determine the role of this variant in disease. Therefore, it has been classified as a Variant of Uncertain Significance. Algorithms developed to predict the effect of sequence changes on RNA splicing suggest that this variant may create or strengthen a splice site. ClinVar contains an entry for this variant (Variation ID: 943856). This variant has not been reported in the literature in individuals affected with MFN2-related conditions. This variant is not present in population databases (gnomAD no frequency). This sequence change affects codon 323 of the MFN2 mRNA. It is a 'silent' change, meaning that it does not change the encoded amino acid sequence of the MFN2 protein.